The following is an entry in ClinVar:

NC_000022.11:g.28741882C>T

Gene: CHEK2 (checkpoint kinase 2; minus strand). Cytogenetic location: 22q12.1.
Variant type: single nucleotide variant.
Genome position: GRCh38 VCF-style: chr22-28741882-C-T. GRCh37 (hg19) VCF-style: chr22-29137870-C-T.
Identifiers: ClinVar variation 1167537 (VCV001167537.14), dbSNP rs2236141, ClinGen allele CA14937625.

ClinVar aggregate classification (germline): Benign. Review status: criteria provided, multiple submitters, no conflicts (2 of 4 stars). 3 submissions from 3 submitters: Benign (3). Last evaluated 2026-02-02.

Conditions:
Familial cancer of breast. Also called: BREAST CANCER, FAMILIAL; hereditary breast carcinoma; Hereditary breast cancer. Identifiers: Orphanet 227535, MedGen C0346153, MONDO:0016419, OMIM 114480. Disease mechanism: loss of function.

Allele frequency attached by ClinVar (database versions not stated): gnomAD 0.09783 and 0.10644; TOPMed 0.09974; 1000 Genomes Project 30x 0.13398; 1000 Genomes Project 0.13938; gnomAD exomes 0.15218.

Submissions (3):

Labcorp Genetics (formerly Invitae), Labcorp
Classification: Benign for Familial cancer of breast. Last evaluated: 2026-02-02. Review status: criteria provided, single submitter. Criteria: Invitae Variant Classification Sherloc (09022015). Collection method: clinical testing. Allele origin: germline.

GeneDx
Classification: Benign. Last evaluated: 2018-06-24. Review status: criteria provided, single submitter. Criteria: GeneDx Variant Classification Process June 2021. Collection method: clinical testing. Allele origin: germline. Affected: yes.
Comment: This variant is associated with the following publications: (PMID: 20462940)

Breakthrough Genomics
Classification: Benign. Review status: criteria provided, single submitter. Criteria: ACMG Guidelines, 2015. Collection method: not provided. Allele origin: germline. Inheritance: Autosomal dominant inheritance. Affected: yes.